The following is an entry in ClinVar:

NM_020778.5(ALPK3):c.1535G>T (p.Ser512Ile)

Genes: ALPK3 (alpha kinase 3; plus strand), LOC111718493 (skeletal muscle cis-regulatory module overlapping ALPK3; plus strand). Cytogenetic location: 15q25.3.
Variant type: single nucleotide variant.
Coding change: c.1535G>T on transcript NM_020778.5 (MANE Select); coding-DNA position 1535, G replaced by T.
Protein change: p.Ser512Ile; replaces serine 512 with isoleucine.
Molecular consequence: missense variant.
Genome position (GRCh38, 1-based): chr15:84,840,814, G>T. VCF-style: chr15-84840814-G-T. GRCh37 (hg19) VCF-style: chr15-85384045-G-T.
Other names: short protein forms S512I.
Identifiers: ClinVar variation 1430152 (VCV001430152.6), dbSNP rs2141557377, ClinGen allele CA393375855.
Genomic context (GRCh38, chr15:84,840,814, plus strand): 5'-CCACCACTGACAGCAAGCCCATTTCTTCTCTGAGTCAAGCTCCAGAATGCGGGGCCCAGA[G>T]CTTAGGAAAGGCCCCACCTCAGGCCTCTGTGCAGGTGCCGACGCCCCCTGCCCGGCGGAG-3'
Protein context (NP_065829.4, residues 502-522): LSQAPECGAQ[Ser512Ile]LGKAPPQASV

ClinVar aggregate classification (germline): Uncertain significance (1 of 4 stars; one submission).

Submission:

Labcorp Genetics (formerly Invitae), Labcorp
Classification: Uncertain significance. Last evaluated: 2023-12-11. Review status: criteria provided, single submitter. Criteria: Invitae Variant Classification Sherloc (09022015). Collection method: clinical testing. Allele origin: germline.
Comment: This sequence change replaces serine, which is neutral and polar, with isoleucine, which is neutral and non-polar, at codon 714 of the ALPK3 protein (p.Ser714Ile). This variant is not present in population databases (gnomAD no frequency). This variant has not been reported in the literature in individuals affected with ALPK3-related conditions. ClinVar contains an entry for this variant (Variation ID: 1430152). Advanced modeling of protein sequence and biophysical properties (such as structural, functional, and spatial information, amino acid conservation, physicochemical variation, residue mobility, and thermodynamic stability) has been performed at Invitae for this missense variant, however the output from this modeling did not meet the statistical confidence thresholds required to predict the impact of this variant on ALPK3 protein function. In summary, the available evidence is currently insufficient to determine the role of this variant in disease. Therefore, it has been classified as a Variant of Uncertain Significance.